The following is an entry in ClinVar:

NM_001987.5(ETV6):c.505G>A (p.Val169Met)

Gene: ETV6 (ETS variant transcription factor 6; plus strand). Cytogenetic location: 12p13.2.
Variant type: single nucleotide variant.
Coding change: c.505G>A on transcript NM_001987.5 (MANE Select); coding-DNA position 505, G replaced by A.
Protein change: p.Val169Met; replaces valine 169 with methionine.
Molecular consequence: missense variant.
Genome position (GRCh38, 1-based): chr12:11,869,465, G>A. VCF-style: chr12-11869465-G-A. GRCh37 (hg19) VCF-style: chr12-12022399-G-A.
Other names: c.502G>A, p.Val168Met (NM_001413913.1); c.478G>A, p.Val160Met (NM_001413914.1); c.241G>A, p.Val81Met (NM_001413915.1); c.505G>A, p.Val169Met (NM_001413916.1, NM_001413917.1); short protein forms V168M, V81M, V169M, V160M.
Identifiers: ClinVar variation 2909885 (VCV002909885.6), dbSNP rs758916322, ClinGen allele CA6454267.

ClinVar aggregate classification (germline): Uncertain significance. Review status: criteria provided, multiple submitters, no conflicts (2 of 4 stars). 4 submissions from 4 submitters: Uncertain significance (4). Last evaluated 2025-07-27.

Conditions:
ETV6-related disorder. Also called: ETV6-related condition.
Inborn genetic diseases. Identifiers: MedGen C0950123, MeSH D030342.

Allele frequency attached by ClinVar (database versions not stated): gnomAD exomes below 0.00001; ExAC 0.00001; TOPMed 0.00001; gnomAD 0.00003.
gnomAD v4.1: 6 of 1,613,800 alleles (0.00037%); highest among the groups gnomAD compares: African/African-American, 0.008%; no homozygotes.

Submissions (4):

PreventionGenetics, part of Exact Sciences
Classification: Uncertain significance for ETV6-related condition. Last evaluated: 2025-07-27. Review status: criteria provided, single submitter. Criteria: ACMG Guidelines, 2015. Collection method: clinical testing. Allele origin: germline.
Comment: The ETV6 c.505G>A variant is predicted to result in the amino acid substitution p.Val169Met. To our knowledge, this variant has not been reported in the literature. This variant is reported in 0.012% of alleles in individuals of African descent in gnomAD. At this time, the clinical significance of this variant is uncertain due to the absence of conclusive functional and genetic evidence.

Labcorp Genetics (formerly Invitae), Labcorp
Classification: Uncertain significance. Last evaluated: 2025-04-14. Review status: criteria provided, single submitter. Criteria: Invitae Variant Classification Sherloc (09022015). Collection method: clinical testing. Allele origin: germline.
Comment: This sequence change replaces valine, which is neutral and non-polar, with methionine, which is neutral and non-polar, at codon 169 of the ETV6 protein (p.Val169Met). This variant is present in population databases (rs758916322, gnomAD 0.01%). This variant has not been reported in the literature in individuals affected with ETV6-related conditions. ClinVar contains an entry for this variant (Variation ID: 2909885). Invitae Evidence Modeling of protein sequence and biophysical properties (such as structural, functional, and spatial information, amino acid conservation, physicochemical variation, residue mobility, and thermodynamic stability) indicates that this missense variant is not expected to disrupt ETV6 protein function with a negative predictive value of 80%. In summary, the available evidence is currently insufficient to determine the role of this variant in disease. Therefore, it has been classified as a Variant of Uncertain Significance.

Ambry Genetics
Classification: Uncertain significance for Inborn genetic diseases. Last evaluated: 2024-11-28. Review status: criteria provided, single submitter. Criteria: Ambry Variant Classification Scheme 2023. Collection method: clinical testing. Allele origin: germline.
Comment: The p.V169M variant (also known as c.505G>A), located in coding exon 5 of the ETV6 gene, results from a G to A substitution at nucleotide position 505. The valine at codon 169 is replaced by methionine, an amino acid with highly similar properties. This amino acid position is conserved. In addition, this alteration is predicted to be tolerated by in silico analysis. Based on the available evidence, the clinical significance of this variant remains unclear.

ARUP Laboratories, Molecular Genetics and Genomics, ARUP Laboratories
Classification: Uncertain significance. Last evaluated: 2023-12-11. Review status: criteria provided, single submitter. Criteria: ARUP Molecular Germline Variant Investigation Process 2024. Collection method: clinical testing. Allele origin: germline.